The following is an entry in ClinVar:

NM_003327.4(TNFRSF4):c.172C>G (p.Arg58Gly)

Gene: TNFRSF4 (TNF receptor superfamily member 4; minus strand). Cytogenetic location: 1p36.33.
Variant type: single nucleotide variant.
Coding change: c.172C>G on transcript NM_003327.4 (MANE Select); coding-DNA position 172, C replaced by G.
Protein change: p.Arg58Gly; replaces arginine 58 with glycine.
Molecular consequence: missense variant.
Genome position (GRCh38, 1-based): chr1:1,213,759, G>C on the plus strand (C>G on the coding strand, the complement: TNFRSF4 is on the minus strand). VCF-style: chr1-1213759-G-C. GRCh37 (hg19) VCF-style: chr1-1149139-G-C.
Other names: c.172C>G, p.Arg58Gly (NM_001410709.1); c.172C>G (NM_003327.3); short protein forms R58G.
Identifiers: ClinVar variation 3688355 (VCV003688355.3).
Genomic context (GRCh38, chr1:1,213,759, plus strand): 5'-AGCTGACCACGTCGTTGTAGAAGCCCGGCCCGCACGGACGGCACACCGTGTTCTGGGAGC[G>C]GCTGCAGCGGCTCACCATCCCGTTGCCTGCAGCAGAGGCCGGCGTCAGGCAGCGGTCAGG-3'
Protein context (NP_003318.1, residues 48-68): PGNGMVSRCS[Arg58Gly]SQNTVCRPCG

ClinVar aggregate classification (germline): Uncertain significance. Review status: criteria provided, multiple submitters, no conflicts (2 of 4 stars). 2 submissions from 2 submitters: Uncertain significance (2). Last evaluated 2025-01-24.

Conditions:
Combined immunodeficiency due to OX40 deficiency. Also called: Immunodeficiency 16; OX40 DEFICIENCY. Identifiers: Orphanet 431149, MedGen C3810053, MONDO:0014268, OMIM 615593.

gnomAD v4.1: 3 of 1,601,838 alleles (0.00019%); highest among the groups gnomAD compares: Non-Finnish European, 0.00026%; no homozygotes.

Submissions (2):

Ambry Genetics
Classification: Uncertain significance. Last evaluated: 2025-01-24. Review status: criteria provided, single submitter. Criteria: Ambry Variant Classification Scheme 2023. Collection method: clinical testing. Allele origin: germline.

Labcorp Genetics (formerly Invitae), Labcorp
Classification: Uncertain significance for Combined immunodeficiency due to OX40 deficiency. Last evaluated: 2024-07-02. Review status: criteria provided, single submitter. Criteria: Invitae Variant Classification Sherloc (09022015). Collection method: clinical testing. Allele origin: germline.
Comment: This sequence change replaces arginine, which is basic and polar, with glycine, which is neutral and non-polar, at codon 58 of the TNFRSF4 protein (p.Arg58Gly). This variant is present in population databases (no rsID available, gnomAD 0.002%). This variant has not been reported in the literature in individuals affected with TNFRSF4-related conditions. Advanced modeling of protein sequence and biophysical properties (such as structural, functional, and spatial information, amino acid conservation, physicochemical variation, residue mobility, and thermodynamic stability) performed at Invitae indicates that this missense variant is not expected to disrupt TNFRSF4 protein function with a negative predictive value of 80%. In summary, the available evidence is currently insufficient to determine the role of this variant in disease. Therefore, it has been classified as a Variant of Uncertain Significance.